The following is an entry in ClinVar:

NM_004982.4(KCNJ8):c.137C>T (p.Ala46Val)

Genes: KCNJ8 (potassium inwardly rectifying channel subfamily J member 8; minus strand), KCNJ8-AS1 (KCNJ8 antisense RNA 1; plus strand). Cytogenetic location: 12p12.1.
Variant type: single nucleotide variant.
Coding change: c.137C>T on transcript NM_004982.4 (MANE Select); coding-DNA position 137, C replaced by T.
Protein change: p.Ala46Val; replaces alanine 46 with valine.
Molecular consequence: missense variant.
Genome position (GRCh38, 1-based): chr12:21,773,480, G>A on the plus strand (C>T on the coding strand, the complement: KCNJ8 is on the minus strand). VCF-style: chr12-21773480-G-A. GRCh37 (hg19) VCF-style: chr12-21926414-G-A.
Other names: short protein forms A46V.
Identifiers: ClinVar variation 581090 (VCV000581090.21), dbSNP rs1565662161, ClinGen allele CA384131851.

ClinVar aggregate classification (germline): Conflicting classifications of pathogenicity. Review status: criteria provided, conflicting classifications (1 of 4 stars). 2 submissions from 2 submitters: Likely pathogenic (1); Uncertain significance (1). Last evaluated 2025-09-01.

Conditions:
Brugada syndrome. Also called: Sudden Unexplained Death Syndrome; Sudden Unexplained Nocturnal Death Syndrome (SUNDS); Sudden unexplained nocturnal death syndrome; Sudden unexpected nocturnal death syndrome. Identifiers: Orphanet 130, MedGen C1142166, MONDO:0015263.

Submissions (2):

CeGaT Center for Human Genetics Tuebingen
Classification: Likely pathogenic. Last evaluated: 2025-09-01. Review status: criteria provided, single submitter. Criteria: CeGaT Center For Human Genetics Tuebingen Variant Classification Criteria Version 2. Collection method: clinical testing. Allele origin: germline. Affected: yes. Observed: 1 variant allele.
Comment: KCNJ8: PM2, PS2:Moderate, PP2, PP3

Labcorp Genetics (formerly Invitae), Labcorp
Classification: Uncertain significance for Brugada syndrome. Last evaluated: 2018-04-03. Review status: criteria provided, single submitter. Criteria: Invitae Variant Classification Sherloc (09022015). Collection method: clinical testing. Allele origin: germline.
Comment: In summary, the available evidence is currently insufficient to determine the role of this variant in disease. Therefore, it has been classified as a Variant of Uncertain Significance. Algorithms developed to predict the effect of sequence changes on RNA splicing suggest that this variant may create or strengthen a splice site, but this prediction has not been confirmed by published transcriptional studies. Algorithms developed to predict the effect of missense changes on protein structure and function do not agree on the potential impact of this missense change (SIFT: "Tolerated"; PolyPhen-2: "Probably Damaging"; Align-GVGD: "Class C0"). This variant has not been reported in the literature in individuals with KCNJ8-related disease. This variant is not present in population databases (ExAC no frequency). This sequence change replaces alanine with valine at codon 46 of the KCNJ8 protein (p.Ala46Val). The alanine residue is highly conserved and there is a small physicochemical difference between alanine and valine.